The following is an entry in ClinVar:

ClinVar aggregate classification (germline): Uncertain significance. Review status: criteria provided, single submitter (1 of 4 stars). 2 submissions from 2 submitters: Uncertain significance (1). 1 of the submissions does not count toward it. Last evaluated 2025-10-03.

Conditions:
Renal hypodysplasia/aplasia 3 (RHDA3). Identifiers: MedGen C4540497, MONDO:0024520, OMIM 617805.

Submissions (2):

GeneDx
Classification: Uncertain significance. Last evaluated: 2025-10-03. Review status: criteria provided, single submitter. Criteria: GeneDx Variant Classification Process June 2021. Collection method: clinical testing. Allele origin: germline. Affected: yes.
Comment: Not observed at significant frequency in large population cohorts (gnomAD); In silico analysis supports that this missense variant has a deleterious effect on protein structure/function; This variant is associated with the following publications: (PMID: 29100091)

OMIM
Classification: Pathogenic for RENAL HYPODYSPLASIA/APLASIA 3. Last evaluated: 2017-12-18. Review status: no assertion criteria provided. Collection method: literature only. Allele origin: germline. Not counted in ClinVar's aggregate classification.

Literature cited by the submitters: PubMed 29100091 (cited by OMIM).

NM_001142966.3(GREB1L):c.2251C>T (p.Arg751Cys)

Gene: GREB1L (GREB1 like retinoic acid receptor coactivator; plus strand). Cytogenetic location: 18q11.1.
Variant type: single nucleotide variant.
Coding change: c.2251C>T on transcript NM_001142966.3 (MANE Select); coding-DNA position 2251, C replaced by T.
Protein change: p.Arg751Cys; replaces arginine 751 with cysteine.
Molecular consequence: missense variant.
Genome position (GRCh38, 1-based): chr18:21,473,099, C>T. VCF-style: chr18-21473099-C-T. GRCh37 (hg19) VCF-style: chr18-19053060-C-T.
Other names: c.2251C>T (NM_001142966.1); short protein forms R751C.
Identifiers: ClinVar variation 453284 (VCV000453284.3), dbSNP rs1555654020, ClinGen allele CA401739462.